The following is an entry in ClinVar:

NM_001282531.3(ADNP):c.108+1G>A

Gene: ADNP (activity dependent neuroprotector homeobox; minus strand). Cytogenetic location: 20q13.13.
Variant type: single nucleotide variant.
Coding change: c.108+1G>A on transcript NM_001282531.3 (MANE Select); the canonical splice donor site of the intron after coding-DNA position 108, G replaced by A.
Molecular consequence: splice donor variant. On other transcripts: intron variant (1).
Genome position (GRCh38, 1-based): chr20:50,903,888, C>T on the plus strand (G>A on the coding strand, the complement: ADNP is on the minus strand). VCF-style: chr20-50903888-C-T. GRCh37 (hg19) VCF-style: chr20-49520425-C-T.
Other names: c.-576-1779G>A (NM_001439001.1); c.108+1G>A (NM_181442.4, NM_001347511.2, NM_015339.5 and 1 more transcripts); c.324+1G>A (NM_001439000.1).
Identifiers: ClinVar variation 4531758 (VCV004531758.1).
Genomic context (GRCh38, chr20:50,903,888, plus strand): 5'-ACACAAAGTAATGGATCAGAAGCTGAGTCATGTTAAAATTTAAAAATGACATGCTACTTA[C>T]TTCTATATGTTCTTTACAGTATTCCAACCCAATGTCACTAAGTATTTTTTTCACAGTTTT-3'

ClinVar aggregate classification (germline): Likely pathogenic (1 of 4 stars; one submission).

Conditions:
ADNP-related multiple congenital anomalies - intellectual disability - autism spectrum disorder. Also called: Helsmoortel-Van der Aa Syndrome; ADNP-Related Helsmoortel-Van der Aa Syndrome. Identifiers: Orphanet 404448, MedGen C4014538, MONDO:0014379, OMIM 615873. Disease mechanism: loss of function.

Submission:

Victorian Clinical Genetics Services, Murdoch Childrens Research Institute
Classification: Likely pathogenic for ADNP-related multiple congenital anomalies - intellectual disability - autism spectrum disorder. Last evaluated: 2025-03-03. Review status: criteria provided, single submitter. Criteria: ACMG Guidelines, 2015. Collection method: clinical testing. Allele origin: germline. Affected: yes.
Comment: This variant is classified as Likely pathogenic. Evidence in support of pathogenic classification: Canonical splice site variant without proven consequence on splicing (no functional evidence available); Variant is absent from gnomAD (v2, v3 and v4); Abnormal splicing is predicted by in silico tool and affected nucleotide is highly conserved; Additional information: This variant is heterozygous; This gene is associated with autosomal dominant disease; This variant has no previous evidence of pathogenicity; No published segregation evidence has been identified for this variant; No published functional evidence has been identified for this variant; No comparable splice site variants have previous evidence for pathogenicity; Loss of function is a known mechanism of disease in this gene and is associated with Helsmoortel-van der Aa syndrome (MIM#615873); The condition associated with this gene has incomplete penetrance. Two individuals with ADNP-related disorders have been reported to have inherited a pathogenic variant from an unaffected parent (PMID: 29724491).

Literature cited by the submitters: PubMed 29724491.